The following is an entry in ClinVar:

NM_001378964.1(CDON):c.1387T>A (p.Ser463Thr)

Gene: CDON (cell adhesion associated, oncogene regulated; minus strand). Cytogenetic location: 11q24.2.
Variant type: single nucleotide variant.
Coding change: c.1387T>A on transcript NM_001378964.1 (MANE Select); coding-DNA position 1387, T replaced by A.
Protein change: p.Ser463Thr; replaces serine 463 with threonine.
Molecular consequence: missense variant.
Genome position (GRCh38, 1-based): chr11:126,010,506, A>T on the plus strand (T>A on the coding strand, the complement: CDON is on the minus strand). VCF-style: chr11-126010506-A-T. GRCh37 (hg19) VCF-style: chr11-125880401-A-T.
Other names: c.1387T>A, p.Ser463Thr (NM_001243597.3, NM_016952.6); short protein forms S463T.
Identifiers: ClinVar variation 1718920 (VCV001718920.5), dbSNP rs146002530, ClinGen allele CA383209543.
Genomic context (GRCh38, chr11:126,010,506, plus strand): 5'-TTGCACCAGCTTGGGACAGGACGAAGTACACAGGCTCCAGGTTCAAGCCCTCAGGTCTTG[A>T]TAACTGTGATTTTCGGGATTTCGATCTCAGGACTTGAGATGGATGGCTGGTTATCAATCC-3'
Protein context (NP_001365893.1, residues 453-473): LRSKSRKSQL[Ser463Thr]RPEGLNLEPV

ClinVar aggregate classification (germline): Uncertain significance (1 of 4 stars; one submission).

Conditions:
Holoprosencephaly 11 (HPE11). Identifiers: Orphanet 2162, MedGen C3280215, MONDO:0013642, OMIM 614226.

gnomAD v4.1: 1 of 1,614,042 alleles (0.000062%); highest among the groups gnomAD compares: East Asian, 0.0022%; no homozygotes.

Submission:

Labcorp Genetics (formerly Invitae), Labcorp
Classification: Uncertain significance for Holoprosencephaly 11. Last evaluated: 2024-06-03. Review status: criteria provided, single submitter. Criteria: Invitae Variant Classification Sherloc (09022015). Collection method: clinical testing. Allele origin: germline.
Comment: This sequence change replaces serine, which is neutral and polar, with threonine, which is neutral and polar, at codon 463 of the CDON protein (p.Ser463Thr). This variant is present in population databases (no rsID available, gnomAD 0.01%). This variant has not been reported in the literature in individuals affected with CDON-related conditions. ClinVar contains an entry for this variant (Variation ID: 1718920). An algorithm developed to predict the effect of missense changes on protein structure and function (PolyPhen-2) suggests that this variant is likely to be tolerated. In summary, the available evidence is currently insufficient to determine the role of this variant in disease. Therefore, it has been classified as a Variant of Uncertain Significance.